The following is an entry in ClinVar:

NM_005902.4(SMAD3):c.1086_1098dup (p.Thr367fs)

Gene: SMAD3 (SMAD family member 3; plus strand). Cytogenetic location: 15q22.33.
Variant type: Duplication.
Coding change: c.1086_1098dup on transcript NM_005902.4 (MANE Select); coding-DNA positions 1086 to 1098, 13 bases duplicated (TGTCTACCAGTTG).
Protein change: p.Thr367fs; shifts the reading frame from threonine 367.
Molecular consequence: frameshift variant.
Genome position (GRCh38, 1-based): chr15:67,187,441-67,187,453, TGTCTACCAGTTG duplicated. VCF-style (leftmost placement, unchanged base first): chr15-67187440-C-CTGTCTACCAGTTG. GRCh37 (hg19) VCF-style: chr15-67479778-C-CTGTCTACCAGTTG.
Other names: c.771_783dup, p.Thr262fs (NM_001145102.2); c.954_966dup, p.Thr323fs (NM_001145103.2); c.501_513dup, p.Thr172fs (NM_001145104.2); short protein forms T323fs, T172fs, T262fs, T367fs.
Identifiers: ClinVar variation 421885 (VCV000421885.6), dbSNP rs1555414236, ClinGen allele CA16619994.

ClinVar aggregate classification (germline): Pathogenic/Likely pathogenic. Review status: criteria provided, multiple submitters, no conflicts (2 of 4 stars). 3 submissions from 3 submitters: Pathogenic (2); Likely pathogenic (1). Last evaluated 2024-09-12.

Conditions:
Familial thoracic aortic aneurysm and aortic dissection (TAAD). Also called: Thoracic aortic aneurysms and dissections. Identifiers: Orphanet 91387, MedGen C4707243, MONDO:0019625.

Submissions (3):

Labcorp Genetics (formerly Invitae), Labcorp
Classification: Pathogenic for Familial thoracic aortic aneurysm and aortic dissection. Last evaluated: 2024-09-12. Review status: criteria provided, single submitter. Criteria: Invitae Variant Classification Sherloc (09022015). Collection method: clinical testing. Allele origin: germline.
Comment: This sequence change creates a premature translational stop signal (p.Thr367Cysfs*35) in the SMAD3 gene. While this is not anticipated to result in nonsense mediated decay, it is expected to disrupt the last 59 amino acid(s) of the SMAD3 protein. This variant is not present in population databases (gnomAD no frequency). This variant has not been reported in the literature in individuals affected with SMAD3-related conditions. ClinVar contains an entry for this variant (Variation ID: 421885). This variant disrupts a region of the SMAD3 protein in which other variant(s) (p.Arg373Cys) have been determined to be pathogenic (PMID: 30661052; external communication, internal data). This suggests that this is a clinically significant region of the protein, and that variants that disrupt it are likely to be disease-causing. For these reasons, this variant has been classified as Pathogenic.

Ambry Genetics
Classification: Pathogenic for Familial thoracic aortic aneurysm and aortic dissection. Last evaluated: 2016-12-13. Review status: criteria provided, single submitter. Criteria: Ambry Variant Classification Scheme 2023. Collection method: clinical testing. Allele origin: germline.
Comment: The c.1086_1098dup13 pathogenic mutation, located in coding exon 8 of the SMAD3 gene, results from a duplication of TGTCTACCAGTTG at nucleotide position 1086, causing a translational frameshift with a predicted alternate stop codon (p.T367Cfs*35). This alteration is located in the MH2 domain, which is involved in the oligomerization of the SMAD3/SMAD4 complex (Chacko BM et al Nat Struct Biol. 2001;8(3):248-53). This alteration is expected to result in loss of function by premature protein truncation. As such, this alteration is interpreted as a disease-causing mutation.

GeneDx
Classification: Likely pathogenic. Last evaluated: 2016-07-28. Review status: criteria provided, single submitter. Criteria: GeneDx Variant Classification (06012015). Collection method: clinical testing. Allele origin: germline. Affected: yes.
Comment: Although the c.1086_1098dup13 likely pathogenic variant in the SMAD3 gene has not been reported to our knowledge, this variant causes a shift in reading frame starting at codon Threonine 367, changing it to a Cysteine, and creating a premature stop codon at position 35 of the new reading frame, denoted p.Thr367CysfsX35. This variant is expected to result in an abnormal, truncated protein product where the last 59 amino acids are replaced by 34 incorrect amino acids. The result is a protein product with an altered MH2 domain which has lost several post-translationally modified residues. Other downstream frameshift variants in the SMAD3 gene have been reported in HGMD in association with SMAD3-related disorders (Stenson et al., 2014). Furthermore, the c.1086_1098dup13 variant was not observed in approximately 6,500 individuals of European and African American ancestry in the NHLBI Exome Sequencing Project, indicating it is not a common benign variant in these populations.While the c.1086_1098dup13 variant has not been published, it is expected to be pathogenic.

Literature cited by the submitters: PubMed 30661052 (cited by Labcorp Genetics (formerly Invitae), Labcorp); PubMed 11224571 (cited by Ambry Genetics).